The following is an entry in ClinVar:

NM_018490.5(LGR4):c.2589G>A (p.Ser863=)

Gene: LGR4 (leucine rich repeat containing G protein-coupled receptor 4; minus strand). Cytogenetic location: 11p14.1.
Variant type: single nucleotide variant.
Coding change: c.2589G>A on transcript NM_018490.5 (MANE Select); coding-DNA position 2589, G replaced by A.
Protein change: p.Ser863=; no amino-acid change (serine 863 retained).
Molecular consequence: synonymous variant.
Genome position (GRCh38, 1-based): chr11:27,368,134, C>T on the plus strand (G>A on the coding strand, the complement: LGR4 is on the minus strand). VCF-style: chr11-27368134-C-T. GRCh37 (hg19) VCF-style: chr11-27389681-C-T.
Other names: c.2517G>A, p.Ser839= (NM_001346432.2).
Identifiers: ClinVar variation 3037795 (VCV003037795.2), dbSNP rs72887882, ClinGen allele CA5928156.
Genomic context (GRCh38, chr11:27,368,134, plus strand): 5'-TGCAGGACAGCTGTGTGATTTTATCAAGTGTTTGCATGATACTGGCTTTGTTAAAAGAAA[C>T]GATTCGCAGCAGTCGCAAACAGTCAGGTTGCCCTGCAAATGTGAGTACATGCCACAGTCG-3'
Protein context (NP_060960.2, residues 853-873): GNLTVCDCCE[Ser863=]FLLTKPVSCK

ClinVar aggregate classification (germline): Likely benign (0 of 4 stars; one submission).

Conditions:
LGR4-related disorder. Also called: LGR4-related condition.

Allele frequency attached by ClinVar (database versions not stated): 1000 Genomes Project 30x 0.00625; 1000 Genomes Project 0.00679; ESP Exome Variant Server 0.00961; gnomAD 0.01096; ExAC 0.01222; gnomAD exomes 0.01479.
gnomAD v4.1: 23,131 of 1,613,640 alleles (1.4%); highest among the groups gnomAD compares: Non-Finnish European, 1.6%; 216 homozygotes.

Submission:

PreventionGenetics, part of Exact Sciences
Classification: Likely benign for LGR4-related condition. Last evaluated: 2020-01-22. Review status: no assertion criteria provided. Collection method: clinical testing. Allele origin: germline.
Comment: This variant is classified as likely benign based on ACMG/AMP sequence variant interpretation guidelines (Richards et al. 2015 PMID: 25741868, with internal and published modifications).